The following is an entry in ClinVar:

NC_000006.12:g.129512363_129512365dup

Gene: LAMA2 (laminin subunit alpha 2; plus strand). Cytogenetic location: 6q22.33.
Variant type: Duplication.
Genome position: GRCh38 VCF-style: chr6-129512361-A-AGTT. GRCh37 (hg19) VCF-style: chr6-129833506-A-AGTT.
Identifiers: ClinVar variation 3669675 (VCV003669675.2).

ClinVar aggregate classification (germline): Uncertain significance (1 of 4 stars; one submission).

Conditions:
LAMA2-related muscular dystrophy (LAMA2-RD). Also called: Laminin alpha 2-related dystrophy. Identifiers: MedGen C5679788, MONDO:0100228.

Submission:

Labcorp Genetics (formerly Invitae), Labcorp
Classification: Uncertain significance for LAMA2-related muscular dystrophy. Last evaluated: 2024-03-15. Review status: criteria provided, single submitter. Criteria: Invitae Variant Classification Sherloc (09022015). Collection method: clinical testing. Allele origin: germline.
Comment: This variant, c.8858_8860dup, results in the insertion of 1 amino acid(s) of the LAMA2 protein (p.Val2953dup), but otherwise preserves the integrity of the reading frame. This variant is not present in population databases (gnomAD no frequency). This variant has not been reported in the literature in individuals affected with LAMA2-related conditions. Experimental studies and prediction algorithms are not available or were not evaluated, and the functional significance of this variant is currently unknown. Algorithms developed to predict the effect of sequence changes on RNA splicing suggest that this variant may disrupt the consensus splice site. In summary, the available evidence is currently insufficient to determine the role of this variant in disease. Therefore, it has been classified as a Variant of Uncertain Significance.